The following is an entry in ClinVar:

NM_000245.4(MET):c.3874A>G (p.Ile1292Val)

Gene: MET (MET proto-oncogene, receptor tyrosine kinase; plus strand). Cytogenetic location: 7q31.2.
Variant type: single nucleotide variant.
Coding change: c.3874A>G on transcript NM_000245.4 (MANE Select); coding-DNA position 3874, A replaced by G.
Protein change: p.Ile1292Val; replaces isoleucine 1292 with valine.
Molecular consequence: missense variant.
Genome position (GRCh38, 1-based): chr7:116,795,730, A>G. VCF-style: chr7-116795730-A-G. GRCh37 (hg19) VCF-style: chr7-116435784-A-G.
Other names: c.3928A>G, p.Ile1310Val (NM_001127500.3); c.2584A>G, p.Ile862Val (NM_001324402.2); short protein forms I1310V, I862V, I1292V.
Identifiers: ClinVar variation 2728845 (VCV002728845.5), dbSNP rs1485105398, ClinGen allele CA369117887.

ClinVar aggregate classification (germline): Uncertain significance. Review status: criteria provided, multiple submitters, no conflicts (2 of 4 stars). 3 submissions from 3 submitters: Uncertain significance (3). Last evaluated 2026-01-02.

Conditions:
Hereditary cancer-predisposing syndrome. Also called: Tumor predisposition; Hereditary Cancer Syndrome; Hereditary neoplastic syndrome; Neoplastic Syndromes, Hereditary. Identifiers: Orphanet 140162, MedGen C0027672, MeSH D009386, MONDO:0015356.
Renal cell carcinoma. Identifiers: Orphanet 217071, MedGen C0007134, MeSH D002292, MONDO:0005086, HP:0005584.

Allele frequency attached by ClinVar (database versions not stated): gnomAD exomes 0.00001.
gnomAD v4.1: 3 of 1,614,178 alleles (0.00019%); highest among the groups gnomAD compares: East Asian, 0.0022%; no homozygotes.

Submissions (3):

Ambry Genetics
Classification: Uncertain significance for Hereditary cancer-predisposing syndrome. Last evaluated: 2026-01-02. Review status: criteria provided, single submitter. Criteria: Ambry Variant Classification Scheme 2023. Collection method: clinical testing. Allele origin: germline.
Comment: The p.I1310V variant (also known as c.3928A>G), located in coding exon 19 of the MET gene, results from an A to G substitution at nucleotide position 3928. The isoleucine at codon 1310 is replaced by valine, an amino acid with highly similar properties. This amino acid position is highly conserved in available vertebrate species. In addition, the in silico prediction for this alteration is inconclusive. Based on the available evidence, the clinical significance of this variant remains unclear.

GeneDx
Classification: Uncertain significance. Last evaluated: 2024-08-28. Review status: criteria provided, single submitter. Criteria: GeneDx Variant Classification Process June 2021. Collection method: clinical testing. Allele origin: germline. Affected: yes.
Comment: Not observed at significant frequency in large population cohorts (gnomAD); In silico analysis indicates that this missense variant does not alter protein structure/function; Has not been previously published as pathogenic or benign to our knowledge

Labcorp Genetics (formerly Invitae), Labcorp
Classification: Uncertain significance for Renal cell carcinoma. Last evaluated: 2024-06-19. Review status: criteria provided, single submitter. Criteria: Invitae Variant Classification Sherloc (09022015). Collection method: clinical testing. Allele origin: germline.
Comment: This sequence change replaces isoleucine, which is neutral and non-polar, with valine, which is neutral and non-polar, at codon 1310 of the MET protein (p.Ile1310Val). This variant is present in population databases (no rsID available, gnomAD 0.003%). This variant has not been reported in the literature in individuals affected with MET-related conditions. Advanced modeling of protein sequence and biophysical properties (such as structural, functional, and spatial information, amino acid conservation, physicochemical variation, residue mobility, and thermodynamic stability) performed at Invitae indicates that this missense variant is not expected to disrupt MET protein function with a negative predictive value of 80%. In summary, the available evidence is currently insufficient to determine the role of this variant in disease. Therefore, it has been classified as a Variant of Uncertain Significance.